The following is an entry in ClinVar:

NM_016341.4(PLCE1):c.2786G>C (p.Ser929Thr)

Gene: PLCE1 (phospholipase C epsilon 1; plus strand). Cytogenetic location: 10q23.33.
Variant type: single nucleotide variant.
Coding change: c.2786G>C on transcript NM_016341.4 (MANE Select); coding-DNA position 2786, G replaced by C.
Protein change: p.Ser929Thr; replaces serine 929 with threonine.
Molecular consequence: missense variant.
Genome position (GRCh38, 1-based): chr10:94,246,311, G>C. VCF-style: chr10-94246311-G-C. GRCh37 (hg19) VCF-style: chr10-96006068-G-C.
Other names: c.1862G>C, p.Ser621Thr (NM_001165979.2); c.2786G>C, p.Ser929Thr (NM_001288989.2); short protein forms S929T, S621T.
Identifiers: ClinVar variation 586319 (VCV000586319.9), dbSNP rs61732521, ClinGen allele CA5612710.

ClinVar aggregate classification (germline): Conflicting classifications of pathogenicity. Review status: criteria provided, conflicting classifications (1 of 4 stars). 4 submissions from 4 submitters: Uncertain significance (2); Likely benign (2). Last evaluated 2025-06-12.

Conditions:
PLCE1-related disorder. Also called: PLCE1-related condition.

Allele frequency attached by ClinVar (database versions not stated): gnomAD exomes 0.00018; ExAC 0.00020; 1000 Genomes Project 0.00040; 1000 Genomes Project 30x 0.00047; gnomAD 0.00069 and 0.00076; ESP Exome Variant Server 0.00074; TOPMed 0.00096.
gnomAD v4.1: 203 of 1,614,206 alleles (0.013%); highest among the groups gnomAD compares: African/African-American, 0.25%; no homozygotes.

Submissions (4):

Labcorp Genetics (formerly Invitae), Labcorp
Classification: Likely benign. Last evaluated: 2025-06-12. Review status: criteria provided, single submitter. Criteria: Invitae Variant Classification Sherloc (09022015). Collection method: clinical testing. Allele origin: germline.

PreventionGenetics, part of Exact Sciences
Classification: Likely benign for PLCE1-related condition. Last evaluated: 2024-12-26. Review status: criteria provided, single submitter. Criteria: ACMG Guidelines, 2015. Collection method: clinical testing. Allele origin: germline.
Comment: This variant is classified as likely benign based on ACMG/AMP sequence variant interpretation guidelines (Richards et al. 2015 PMID: 25741868, with internal and published modifications).

Blueprint Genetics
Classification: Uncertain significance. Last evaluated: 2024-01-18. Review status: criteria provided, single submitter. Criteria: ACMG Guidelines, 2015. Collection method: clinical testing. Allele origin: germline.

Athena Diagnostics
Classification: Uncertain significance. Last evaluated: 2018-02-05. Review status: criteria provided, single submitter. Criteria: Athena Diagnostics Criteria. Collection method: clinical testing. Allele origin: germline.